The following is an entry in ClinVar:

ClinVar aggregate classification (germline): Benign/Likely benign. Review status: criteria provided, multiple submitters, no conflicts (2 of 4 stars). 3 submissions from 3 submitters: Benign (1); Likely benign (1). 1 of the submissions does not count toward it. Last evaluated 2026-02-01.

Conditions:
TOP2B-related disorder. Also called: TOP2B-related condition.

Submissions (3):

Labcorp Genetics (formerly Invitae), Labcorp
Classification: Benign. Last evaluated: 2026-02-01. Review status: criteria provided, single submitter. Criteria: Invitae Variant Classification Sherloc (09022015). Collection method: clinical testing. Allele origin: germline.

CeGaT Center for Human Genetics Tuebingen
Classification: Likely benign. Last evaluated: 2026-01-01. Review status: criteria provided, single submitter. Criteria: CeGaT Center For Human Genetics Tuebingen Variant Classification Criteria Version 2. Collection method: clinical testing. Allele origin: germline. Affected: yes. Observed: 1 variant allele.
Comment: TOP2B: BP4, BS1

PreventionGenetics, part of Exact Sciences
Classification: Likely benign for TOP2B-related condition. Last evaluated: 2022-12-15. Review status: no assertion criteria provided. Collection method: clinical testing. Allele origin: germline. Not counted in ClinVar's aggregate classification.
Comment: This variant is classified as likely benign based on ACMG/AMP sequence variant interpretation guidelines (Richards et al. 2015 PMID: 25741868, with internal and published modifications).

NM_001330700.2(TOP2B):c.396-16_396-5del

Gene: TOP2B (DNA topoisomerase II beta; minus strand). Cytogenetic location: 3p24.2.
Variant type: Deletion.
Coding change: c.396-16_396-5del on transcript NM_001330700.2 (MANE Select); 16 bases into the intron before coding-DNA position 396 through 5 bases into the intron before coding-DNA position 396, 12 bases deleted (TTTTTTTTTTTT).
Molecular consequence: intron variant.
Genome position (GRCh38, 1-based): chr3:25,638,315-25,638,326, AAAAAAAAAAAA deleted on the plus strand (TTTTTTTTTTTT on the coding strand, the reverse complement: TOP2B is on the minus strand); deleting any 12 consecutive bases within chr3:25,638,315-25,638,352 gives the same sequence; the c. name uses the placement nearest the transcript's 3' end. VCF-style (leftmost placement, unchanged base first): chr3-25638314-TAAAAAAAAAAAA-T. GRCh37 (hg19) VCF-style: chr3-25679805-TAAAAAAAAAAAA-T.
Other names: c.396-16_396-5del12 (NM_001330700.1); c.381-16_381-5del (NM_001068.3).
Identifiers: ClinVar variation 1164795 (VCV001164795.13), dbSNP rs56986587, ClinGen allele CA905648765.